The following is an entry in ClinVar:

ClinVar aggregate classification (germline): Likely benign (1 of 4 stars; one submission).

Conditions:
PI4KB-related disorder. Also called: PI4KB-related condition.

gnomAD v4.1: 351 of 1,613,094 alleles (0.022%); highest among the groups gnomAD compares: East Asian, 0.76%; 4 homozygotes.

Submission:

PreventionGenetics, part of Exact Sciences
Classification: Likely benign for PI4KB-related condition. Last evaluated: 2026-08-03. Review status: criteria provided, single submitter. Criteria: ACMG Guidelines, 2015. Collection method: clinical testing. Allele origin: germline.
Comment: This variant is classified as likely benign based on ACMG/AMP sequence variant interpretation guidelines (Richards et al. 2015 PMID: 25741868, with internal and published modifications).

NM_001369623.2(PI4KB):c.708A>G (p.Leu236=)

Gene: PI4KB (phosphatidylinositol 4-kinase beta; minus strand). Cytogenetic location: 1q21.3.
Variant type: single nucleotide variant.
Coding change: c.708A>G on transcript NM_001369623.2 (MANE Select); coding-DNA position 708, A replaced by G.
Protein change: p.Leu236=; no amino-acid change (leucine 236 retained).
Molecular consequence: synonymous variant. On other transcripts: intron variant (1).
Genome position (GRCh38, 1-based): chr1:151,315,774, T>C on the plus strand (A>G on the coding strand, the complement: PI4KB is on the minus strand). VCF-style: chr1-151315774-T-C. GRCh37 (hg19) VCF-style: chr1-151288250-T-C.
Other names: c.708A>G, p.Leu236= (NM_001198773.3, NM_001198774.2, NM_001330721.2 and 3 more transcripts); c.744A>G, p.Leu248= (NM_001369625.1, NM_001369628.1, NM_002651.4); c.-42-7973A>G (NM_001198775.3).
Identifiers: ClinVar variation 4987896 (VCV004987896.1).
Genomic context (GRCh38, chr1:151,315,774, plus strand): 5'-GGAGGGCAGCTCCCTCTTCCTGTGAGCTGGCTTTAGCTCATCTGAGAGGATCAGCTTCCG[T>C]AGCTTGGTCCCACGGGAGTGTCGTTGAGTGGAAATGTGCATGTCTGAAGAATAGGCCCCA-3'
Protein context (NP_001356552.1, residues 226-246): STQRHSRGTK[Leu236=]RKLILSDELK